The following is an entry in ClinVar:

NM_020884.7(MYH7B):c.4957A>C (p.Met1653Leu)

Gene: MYH7B (myosin heavy chain 7B; plus strand). Cytogenetic location: 20q11.22.
Variant type: single nucleotide variant.
Coding change: c.4957A>C on transcript NM_020884.7 (MANE Select); coding-DNA position 4957, A replaced by C.
Protein change: p.Met1653Leu; replaces methionine 1653 with leucine.
Molecular consequence: missense variant.
Genome position (GRCh38, 1-based): chr20:35,000,468, A>C. VCF-style: chr20-35000468-A-C. GRCh37 (hg19) VCF-style: chr20-33588271-A-C.
Other names: c.5083A>C (NM_020884.4); short protein forms M1653L.
Identifiers: ClinVar variation 2097697 (VCV002097697.5), dbSNP rs2519237934, ClinGen allele CA408717939.

ClinVar aggregate classification (germline): Uncertain significance (1 of 4 stars; one submission).

Submission:

Labcorp Genetics (formerly Invitae), Labcorp
Classification: Uncertain significance. Last evaluated: 2022-11-28. Review status: criteria provided, single submitter. Criteria: Invitae Variant Classification Sherloc (09022015). Collection method: clinical testing. Allele origin: germline.
Comment: In summary, the available evidence is currently insufficient to determine the role of this variant in disease. Therefore, it has been classified as a Variant of Uncertain Significance. Algorithms developed to predict the effect of missense changes on protein structure and function output the following: SIFT: "Tolerated"; PolyPhen-2: "Benign"; Align-GVGD: "Class C0". The leucine amino acid residue is found in multiple mammalian species, which suggests that this missense change does not adversely affect protein function. This variant has not been reported in the literature in individuals affected with MYH7B-related conditions. This variant is not present in population databases (gnomAD no frequency). This sequence change replaces methionine, which is neutral and non-polar, with leucine, which is neutral and non-polar, at codon 1695 of the MYH7B protein (p.Met1695Leu).